The following is an entry in ClinVar:

ClinVar aggregate classification (germline): Uncertain significance. Review status: criteria provided, multiple submitters, no conflicts (2 of 4 stars). 3 submissions from 3 submitters: Uncertain significance (3). Last evaluated 2024-10-11.

Conditions:
Neurodegeneration, childhood-onset, with cerebellar atrophy. Identifiers: MedGen C4748934, MONDO:0032650, OMIM 618276.

Allele frequency attached by ClinVar (database versions not stated): gnomAD 0.00065 and 0.00067; TOPMed 0.00067; 1000 Genomes Project 30x 0.00094.
gnomAD v4.1: 950 of 1,284,788 alleles (0.074%); highest among the groups gnomAD compares: East Asian, 0.22%; 2 homozygotes.

Submissions (3):

Blueprint Genetics
Classification: Uncertain significance. Last evaluated: 2024-10-11. Review status: criteria provided, single submitter. Criteria: ACMG Guidelines, 2015. Collection method: clinical testing. Allele origin: germline.

Department of Pathology and Laboratory Medicine, Sinai Health System
Classification: Uncertain significance for neurodegeneration, childhood-onset, with cerebellar atrophy. Last evaluated: 2020-07-27. Review status: criteria provided, single submitter. Criteria: ACMG Guidelines, 2015. Collection method: research. Allele origin: germline.

GeneDx
Classification: Uncertain significance. Last evaluated: 2019-04-11. Review status: criteria provided, single submitter. Criteria: GeneDx Variant Classification Process June 2021. Collection method: clinical testing. Allele origin: germline. Affected: yes.
Comment: Has not been previously published as pathogenic or benign to our knowledge

NM_001330701.2(AGTPBP1):c.-206G>A

Genes: AGTPBP1 (ATP/GTP binding carboxypeptidase 1; minus strand), LOC130001960 (ATAC-STARR-seq lymphoblastoid silent region 19988; plus strand). Cytogenetic location: 9q21.33.
Variant type: single nucleotide variant.
Coding change: c.-206G>A on transcript NM_001330701.2 (MANE Select); 206 bases upstream of the start codon, G replaced by A.
Molecular consequence: 5 prime UTR variant. On other transcripts: missense variant (2).
Genome position (GRCh38, 1-based): chr9:85,741,947, C>T on the plus strand (G>A on the coding strand, the complement: AGTPBP1 is on the minus strand). VCF-style: chr9-85741947-C-T. GRCh37 (hg19) VCF-style: chr9-88356862-C-T.
Other names: c.16G>A, p.Ala6Thr (NM_001286715.1, NM_001286717.1); c.-206G>A (NM_015239.3); short protein forms A6T.
Identifiers: ClinVar variation 1308442 (VCV001308442.4), dbSNP rs762840862, ClinGen allele CA5106985.